The following is an entry in ClinVar:

NM_001042492.3(NF1):c.61-300C>T

Gene: NF1 (neurofibromin 1; plus strand). Cytogenetic location: 17q11.2.
Variant type: single nucleotide variant.
Coding change: c.61-300C>T on transcript NM_001042492.3 (MANE Select); 300 bases into the intron before coding-DNA position 61, C replaced by T.
Molecular consequence: intron variant.
Genome position (GRCh38, 1-based): chr17:31,155,683, C>T. VCF-style: chr17-31155683-C-T. GRCh37 (hg19) VCF-style: chr17-29482701-C-T.
Other names: c.61-300C>T (NM_000267.4, NM_001128147.3).
Identifiers: ClinVar variation 561756 (VCV000561756.2), dbSNP rs2269856, ClinGen allele CA15896887.
Genomic context (GRCh38, chr17:31,155,683, plus strand): 5'-GCAAATAGCTCTGTTTCTGTGAGTCATCATTTCTTCTTATATAGTGCTGGATAAAGAATT[C>T]TATTTTGTAGATAGAGATTTATGACTTCCAGAAAGAAAGCTGCAAAAATGGAAGTTTCCA-3'

ClinVar aggregate classification (germline): Benign. Review status: criteria provided, multiple submitters, no conflicts (2 of 4 stars). 2 submissions from 2 submitters: Benign (2). Last evaluated 2018-06-14.

Allele frequency attached by ClinVar (database versions not stated): 1000 Genomes Project 0.65256; 1000 Genomes Project 30x 0.65475; TOPMed 0.70034; gnomAD 0.70045 and 0.70514.
gnomAD v4.1: 106,657 of 152,100 alleles (70%); highest among the groups gnomAD compares: Middle Eastern, 84%; 37,663 homozygotes.

Submissions (2):

GeneDx
Classification: Benign. Last evaluated: 2018-06-14. Review status: criteria provided, single submitter. Criteria: GeneDx Variant Classification (06012015). Collection method: clinical testing. Allele origin: germline. Affected: yes.
Comment: This variant is considered likely benign or benign based on one or more of the following criteria: it is a conservative change, it occurs at a poorly conserved position in the protein, it is predicted to be benign by multiple in silico algorithms, and/or has population frequency not consistent with disease.

Breakthrough Genomics
Classification: Benign. Review status: criteria provided, single submitter. Criteria: ACMG Guidelines, 2015. Collection method: not provided. Allele origin: germline. Inheritance: Autosomal dominant inheritance. Affected: yes.